The following is an entry in ClinVar:

ClinVar aggregate classification (germline): Likely pathogenic (1 of 4 stars; one submission).

Conditions:
Retinitis pigmentosa 38 (RP38). Also called: ROD-CONE DYSTROPHY, CHILDHOOD-ONSET. Identifiers: Orphanet 791, MedGen C3151228, MONDO:0013469, OMIM 613862.

Submission:

3billion
Classification: Likely pathogenic for Retinitis pigmentosa 38. Last evaluated: 2022-01-03. Review status: criteria provided, single submitter. Criteria: ACMG Guidelines, 2015. Collection method: clinical testing. Allele origin: germline. Affected: yes. Observed: 1 homozygote.
Comment: Canonical splice site: predicted to alter splicing and result in a loss or disruption of normal protein function through protein truncation. Multiple pathogenic variants are reported in the predicted truncated region (PVS1_VS).It is not observed in the gnomAD v2.1.1 dataset (PM2_M). Therefore, this variant is classified as likely pathogenic according to the recommendation of ACMG/AMP guideline.

NM_006343.3(MERTK):c.56_61+15del

Gene: MERTK (MER proto-oncogene, tyrosine kinase; plus strand). Cytogenetic location: 2q13.
Variant type: Deletion.
Coding change: c.56_61+15del on transcript NM_006343.3 (MANE Select); coding-DNA position 56 through 15 bases into the intron after coding-DNA position 61, 21 bases deleted (GTAGAGGTGAGTGCGCCCGGC).
Molecular consequence: splice donor variant.
Genome position (GRCh38, 1-based): chr2:111,898,791-111,898,811, GTAGAGGTGAGTGCGCCCGGC deleted; deleting any 21 consecutive bases within chr2:111,898,788-111,898,811 gives the same sequence; the c. name uses the placement nearest the transcript's 3' end. VCF-style (leftmost placement, unchanged base first): chr2-111898787-TGGCGTAGAGGTGAGTGCGCCC-T. GRCh37 (hg19) VCF-style: chr2-112656364-TGGCGTAGAGGTGAGTGCGCCC-T.
Identifiers: ClinVar variation 1333384 (VCV001333384.1), dbSNP rs2104652801, ClinGen allele CA2573051644.